The following is an entry in ClinVar:

NM_007227.3(GPR45):c.879C>T (p.Ser293=)

Gene: GPR45 (G protein-coupled receptor 45; plus strand). Cytogenetic location: 2q12.1.
Variant type: single nucleotide variant.
Coding change: c.879C>T on transcript NM_007227.3 (MANE Select); coding-DNA position 879, C replaced by T.
Protein change: p.Ser293=; no amino-acid change (serine 293 retained).
Molecular consequence: synonymous variant.
Genome position (GRCh38, 1-based): chr2:105,242,737, C>T. VCF-style: chr2-105242737-C-T. GRCh37 (hg19) VCF-style: chr2-105859194-C-T.
Identifiers: ClinVar variation 3710401 (VCV003710401.2).

ClinVar aggregate classification (germline): Uncertain significance (1 of 4 stars; one submission).

gnomAD v4.1: 4 of 1,613,538 alleles (0.00025%); highest among the groups gnomAD compares: Non-Finnish European, 0.00034%; no homozygotes.

Submission:

Labcorp Genetics (formerly Invitae), Labcorp
Classification: Uncertain significance. Last evaluated: 2024-04-25. Review status: criteria provided, single submitter. Criteria: Invitae Variant Classification Sherloc (09022015). Collection method: clinical testing. Allele origin: germline.
Comment: This sequence change affects codon 293 of the GPR45 mRNA. It is a 'silent' change, meaning that it does not change the encoded amino acid sequence of the GPR45 protein. This variant is present in population databases (no rsID available, gnomAD 0.007%). This variant has not been reported in the literature in individuals affected with GPR45-related conditions. In summary, the available evidence is currently insufficient to determine the role of this variant in disease. Therefore, it has been classified as a Variant of Uncertain Significance.